The following is an entry in ClinVar:

NM_145199.3(LIPT1):c.875C>G (p.Ser292Ter)

Genes: LIPT1 (lipoyltransferase 1; plus strand), MITD1 (microtubule interacting and trafficking domain containing 1; minus strand). Cytogenetic location: 2q11.2.
Variant type: single nucleotide variant.
Coding change: c.875C>G on transcript NM_145199.3 (MANE Select); coding-DNA position 875, C replaced by G.
Protein change: p.Ser292Ter; replaces serine 292 with a stop codon.
Molecular consequence: nonsense. On other transcripts: non-coding transcript variant (2).
Genome position (GRCh38, 1-based): chr2:99,162,832, C>G. VCF-style: chr2-99162832-C-G. GRCh37 (hg19) VCF-style: chr2-99779295-C-G.
Other names: c.875C>G, p.Ser292Ter (NM_001204830.2, NM_015929.4, NM_145197.3 and 1 more transcripts); short protein forms S292*.
Identifiers: ClinVar variation 285871 (VCV000285871.26), dbSNP rs137891647, ClinGen allele CA1797396.
Genomic context (GRCh38, chr2:99,162,832, plus strand): 5'-TATATGGCAAAACTCCAAAGTTTAGTATAAATACTTCCTTTCATGTGTTATATGAACAGT[C>G]ACACTTGGAAATTAAAGTATTCATAGACATAAAGAATGGAAGAATTGAAATTTGTAATAT-3'

ClinVar aggregate classification (germline): Pathogenic/Likely pathogenic. Review status: criteria provided, multiple submitters, no conflicts (2 of 4 stars). 13 submissions from 13 submitters: Pathogenic (9); Likely pathogenic (3). 1 of the submissions does not count toward it. Last evaluated 2026-08-04.

Conditions:
LIPT1-related disorders.
Lipoyl transferase 1 deficiency. Also called: Lipoyltransferase 1 deficiency. Identifiers: Orphanet 401862, MedGen C4225379, MONDO:0014576, OMIM 616299.
LIPT1-related disorder. Also called: LIPT1-related condition.

Allele frequency attached by ClinVar (database versions not stated): ExAC 0.00031; gnomAD 0.00047 and 0.00045; ESP Exome Variant Server 0.00054; gnomAD exomes 0.00036 and 0.00071; TOPMed 0.00044; 1000 Genomes Project 30x 0.00031; 1000 Genomes Project 0.00040.
gnomAD v4.1: 1,113 of 1,613,660 alleles (0.069%); highest among the groups gnomAD compares: Non-Finnish European, 0.082%; no homozygotes.

Submissions (13):

GeneDx
Classification: Likely pathogenic. Last evaluated: 2026-08-04. Review status: criteria provided, single submitter. Criteria: GeneDx Variant Classification Process June 2021. Collection method: clinical testing. Allele origin: germline.
Comment: Nonsense variant predicted to result in protein truncation, as the last 82 amino acid(s) are lost, and other loss-of-function variants have been reported downstream in HGMD; This variant is associated with the following publications: (PMID: 28803783, 25326635, 24341803, 29681092, 31042466, 27247813)

Labcorp Genetics (formerly Invitae), Labcorp
Classification: Pathogenic. Last evaluated: 2026-01-19. Review status: criteria provided, single submitter. Criteria: Invitae Variant Classification Sherloc (09022015). Collection method: clinical testing. Allele origin: germline.
Comment: This sequence change creates a premature translational stop signal (p.Ser292*) in the LIPT1 gene. While this is not anticipated to result in nonsense mediated decay, it is expected to disrupt the last 82 amino acid(s) of the LIPT1 protein. This variant is present in population databases (rs137891647, gnomAD 0.2%). This premature translational stop signal has been observed in individual(s) with clinical features of lipoyltransferase 1 deficiency (PMID: 24341803, 31042466; externalcommunication). In at least one individual the data is consistent with being in trans (on the opposite chromosome) from a pathogenic variant. ClinVar contains an entry for this variant (Variation ID: 285871). Algorithms developed to predict the effect of variants on gene product structure and function are not available or were not evaluated for this variant. Experimental studies have shown that this premature translational stop signal affects LIPT1 function (PMID: 31042466). For these reasons, this variant has been classified as Pathogenic.

PreventionGenetics, part of Exact Sciences
Classification: Pathogenic for LIPT1-related condition. Last evaluated: 2025-12-13. Review status: criteria provided, single submitter. Criteria: ACMG Guidelines, 2015. Collection method: clinical testing. Allele origin: germline.
Comment: The LIPT1 c.875C>G variant is predicted to result in premature protein termination (p.Ser292*). This variant in the compound heterozygous state has been reported in an individual with Leigh disease, with secondary pyruvate and alpha-ketoglutarate dehydrogenase deficiencies and in an individual with developmental delay, epilepsy and lactic acidosis (Soreze et al. 2013. PubMed ID: 24341803; Ni et al. 2019. PubMed ID: 31042466). In vitro functional study confirmed loss of expression of the stable LIPT1 protein Ni et al. 2019. PubMed ID: 31042466). This variant is reported in 0.26% of alleles in individuals of Ashkenazi Jewish descent in gnomAD. Nonsense variants in LIPT1 are expected to be pathogenic. This variant is interpreted as pathogenic.

Blueprint Genetics
Classification: Pathogenic for LIPT1-related disorders. Last evaluated: 2024-08-05. Review status: criteria provided, single submitter. Criteria: ACMG Guidelines, 2015. Collection method: clinical testing. Allele origin: germline. Affected: yes. Observed: 5 variant alleles.

Women's Health and Genetics/Laboratory Corporation of America, LabCorp
Classification: Likely pathogenic for Lipoyl transferase 1 deficiency. Last evaluated: 2024-04-12. Review status: criteria provided, single submitter. Criteria: LabCorp Variant Classification Summary - May 2015. Collection method: clinical testing. Allele origin: germline.
Comment: Variant summary: LIPT1 c.875C>G (p.Ser292X) results in a premature termination codon, predicted to disrupt the last 82 amino acids of the protein. The variant allele was found at a frequency of 0.00036 in 250868 control chromosomes. c.875C>G has been reported in the literature in an individual affected with Leigh disease with hypotonia, tetraparesis and steady aortic root dilatation and in a patient with abnormal development, seizures, and lactic acidemia, both in the compound heterozygous state (Soreze_2013, Ni_2019). Experimental evidence has shown the variant to impact LIPT1 function, including reduced lipoylation of PDHc and -KGDHc, and result in severely decreased PDHc and -KGDHc enzyme activities and abnormal pyruvate utilization by polarography (Soreze_2013, Ni_2019). The following publications have been ascertained in the context of this evaluation (PMID: 31042466, 24341803). ClinVar contains an entry for this variant (Variation ID: 285871). Based on the evidence outlined above, the variant was classified as likely pathogenic.

Daryl Scott Lab, Baylor College of Medicine
Classification: Pathogenic for Lipoyl transferase 1 deficiency. Last evaluated: 2024-01-01. Review status: criteria provided, single submitter. Criteria: ACMG Guidelines, 2015. Collection method: clinical testing. Allele origin: paternal. Observed: 1 heterozygote.
Comment: PVS1, PM3, PP1

Department of Pathology and Laboratory Medicine, Sinai Health System
Classification: Pathogenic for Lipoyl transferase 1 deficiency. Last evaluated: 2023-10-18. Review status: criteria provided, single submitter. Criteria: ACMG Guidelines, 2015. Collection method: research. Allele origin: germline.

Greenwood Genetic Center Diagnostic Laboratories, Greenwood Genetic Center
Classification: Likely pathogenic for Lipoyl transferase 1 deficiency. Last evaluated: 2023-05-10. Review status: criteria provided, single submitter. Criteria: ACMG Guidelines, 2015. Collection method: clinical testing. Allele origin: germline. Affected: yes.
Comment: PVS1, PM3

Victorian Clinical Genetics Services, Murdoch Childrens Research Institute
Classification: Pathogenic for Lipoyl transferase 1 deficiency. Last evaluated: 2020-05-21. Review status: criteria provided, single submitter. Criteria: ACMG Guidelines, 2015. Collection method: clinical testing. Allele origin: germline. Inheritance: Autosomal recessive inheritance. Affected: yes.
Comment: Based on the classification scheme VCGS_Germline_v1.1.1, this variant is classified as pathogenic. Following criteria are met: 0102 - Loss-of-function is a known mechanism of disease for this gene. (N) 0106 - This gene is known to be associated with autosomal recessive disease. (N) 0205 - Variant is predicted to result in a truncated protein with less than 1/3 of the protein affected. (P) 0251 - Variant is heterozygous. (N) 0304 - Variant is present in gnomAD <0.01 for a recessive condition (101 heterozygotes, 0 homozygotes). (P) 0604 - Variant does not result in the loss of an established domain, motif, hotspot or informative constraint region. (N) 0704 – A comparable truncating variant has low previous evidence for pathogenicity, and has been observed in one family with fatal lactic acidosis (PMID: 27247813). (P) 0801 - Strong previous evidence of pathogenicity in multiple unrelated individuals with lactic acidosis and Leigh-like disease (ClinVar, PMID: 24341803, PMID: 31042466). (P) 0905 - No segregation evidence has been identified for this variant. (N) 1001 - Strong functional evidence supporting abnormal protein function. Patient fibroblasts were found to have minimal residual protein and reduced lipoyation and mitochondrial respiratory chain protein activity. (P) 1208 - Inheritance information for this variant is not currently available. (N) Legend: (P) - Pathogenic, (N) - Neutral, (B) - Benign

Fulgent Genetics
Classification: Pathogenic for Lipoyl transferase 1 deficiency. Last evaluated: 2018-10-31. Review status: criteria provided, single submitter. Criteria: ACMG Guidelines, 2015. Collection method: clinical testing. Allele origin: unknown.

Baylor Genetics
Classification: Pathogenic for Lipoyl transferase 1 deficiency. Last evaluated: 2017-09-01. Review status: criteria provided, single submitter. Criteria: ACMG Guidelines, 2015. Collection method: clinical testing. Allele origin: germline. Inheritance: Autosomal recessive inheritance.
Comment: Heterozygotes would be expected to be asymptomatic carriers.

Eurofins Ntd Llc (ga)
Classification: Pathogenic. Last evaluated: 2016-02-10. Review status: criteria provided, single submitter. Criteria: EGL Classification Definitions 2015. Collection method: clinical testing. Allele origin: germline. Observed: 1 variant allele, 1 heterozygote.

OMIM
Classification: Pathogenic for LIPOYLTRANSFERASE 1 DEFICIENCY. Last evaluated: 2013-12-17. Review status: no assertion criteria provided. Collection method: literature only. Allele origin: germline. Not counted in ClinVar's aggregate classification.

Literature cited by the submitters: PubMed 24341803 (cited by 5 submitters); PubMed 31042466 (cited by 3 submitters); PubMed 27247813 (cited by Victorian Clinical Genetics Services, Murdoch Childrens Research Institute); PubMed 25326635 (cited by Baylor Genetics).